The following is an entry in ClinVar:

NM_006269.2(RP1):c.2338A>G (p.Arg780Gly)

Gene: RP1 (RP1 axonemal microtubule associated; plus strand). Cytogenetic location: 8q12.1.
Variant type: single nucleotide variant.
Coding change: c.2338A>G on transcript NM_006269.2 (MANE Select); coding-DNA position 2338, A replaced by G.
Protein change: p.Arg780Gly; replaces arginine 780 with glycine.
Molecular consequence: missense variant. On other transcripts: intron variant (1).
Genome position (GRCh38, 1-based): chr8:54,626,220, A>G. VCF-style: chr8-54626220-A-G. GRCh37 (hg19) VCF-style: chr8-55538780-A-G.
Other names: c.787+3932A>G (NM_001375654.1); c.2338A>G (NM_006269.1); short protein forms R780G.
Identifiers: ClinVar variation 2067741 (VCV002067741.6), dbSNP rs1013386218, ClinGen allele CA177237109.
Genomic context (GRCh38, chr8:54,626,220, plus strand): 5'-AATAAATTAAATACTACTCAAAATTCCAAGGTTCAAGGACTTTTAACCAAAAGAAAATCT[A>G]GATCACTAAATAAAATAAGCTTAGGAGCACCTAAAAAAAGAGAAATCGGTCAAAGAGATA-3'
Protein context (NP_006260.1, residues 770-790): VQGLLTKRKS[Arg780Gly]SLNKISLGAP

ClinVar aggregate classification (germline): Uncertain significance. Review status: criteria provided, multiple submitters, no conflicts (2 of 4 stars). 2 submissions from 2 submitters: Uncertain significance (2). Last evaluated 2023-08-22.

Conditions:
Inborn genetic diseases. Identifiers: MedGen C0950123, MeSH D030342.

Allele frequency attached by ClinVar (database versions not stated): gnomAD exomes below 0.00001; TOPMed 0.00002; gnomAD 0.00003.
gnomAD v4.1: 9 of 1,610,636 alleles (0.00056%); highest among the groups gnomAD compares: African/African-American, 0.004%; no homozygotes.

Submissions (2):

Ambry Genetics
Classification: Uncertain significance for Inborn genetic diseases. Last evaluated: 2023-08-22. Review status: criteria provided, single submitter. Criteria: Ambry Variant Classification Scheme 2023. Collection method: clinical testing. Allele origin: germline.

Labcorp Genetics (formerly Invitae), Labcorp
Classification: Uncertain significance. Last evaluated: 2021-12-31. Review status: criteria provided, single submitter. Criteria: Invitae Variant Classification Sherloc (09022015). Collection method: clinical testing. Allele origin: germline.
Comment: This variant is present in population databases (no rsID available, gnomAD 0.003%). This sequence change replaces arginine, which is basic and polar, with glycine, which is neutral and non-polar, at codon 780 of the RP1 protein (p.Arg780Gly). This variant has not been reported in the literature in individuals affected with RP1-related conditions. Algorithms developed to predict the effect of missense changes on protein structure and function output the following: SIFT: "Tolerated"; PolyPhen-2: "Benign"; Align-GVGD: "Class C0". The glycine amino acid residue is found in multiple mammalian species, which suggests that this missense change does not adversely affect protein function. In summary, the available evidence is currently insufficient to determine the role of this variant in disease. Therefore, it has been classified as a Variant of Uncertain Significance.